The following is an entry in ClinVar:

NM_000540.3(RYR1):c.8617-2A>G

Gene: RYR1 (ryanodine receptor 1; plus strand). Cytogenetic location: 19q13.2.
Variant type: single nucleotide variant.
Coding change: c.8617-2A>G on transcript NM_000540.3 (MANE Select); the canonical splice acceptor site of the intron before coding-DNA position 8617, A replaced by G.
Molecular consequence: splice acceptor variant.
Genome position (GRCh38, 1-based): chr19:38,506,469, A>G. VCF-style: chr19-38506469-A-G. GRCh37 (hg19) VCF-style: chr19-38997109-A-G.
Other names: c.8617-2A>G (NM_001042723.2).
Identifiers: ClinVar variation 2804611 (VCV002804611.3), dbSNP rs2514367178, ClinGen allele CA405679667.

ClinVar aggregate classification (germline): Likely pathogenic (1 of 4 stars; one submission).

Conditions:
RYR1-related disorder. Also called: RYR1-related condition; RYR1-related disorders. Identifiers: MedGen CN239331.

Allele frequency attached by ClinVar (database versions not stated): gnomAD exomes below 0.00001.
gnomAD v4.1: 1 of 1,614,052 alleles (0.000062%); highest among the groups gnomAD compares: South Asian, 0.0011%; no homozygotes.

Submission:

Labcorp Genetics (formerly Invitae), Labcorp
Classification: Likely pathogenic for RYR1-related disorder. Last evaluated: 2023-01-25. Review status: criteria provided, single submitter. Criteria: Invitae Variant Classification Sherloc (09022015). Collection method: clinical testing. Allele origin: germline.
Comment: This variant has not been reported in the literature in individuals affected with RYR1-related conditions. This variant is not present in population databases (gnomAD no frequency). This sequence change affects an acceptor splice site in intron 55 of the RYR1 gene. It is expected to disrupt RNA splicing. Variants that disrupt the donor or acceptor splice site typically lead to a loss of protein function (PMID: 16199547), and loss-of-function variants in RYR1 are known to be pathogenic (PMID: 20583297, 20839240, 23919265, 28818389). Algorithms developed to predict the effect of sequence changes on RNA splicing suggest that this variant may disrupt the consensus splice site. In summary, the currently available evidence indicates that the variant is pathogenic, but additional data are needed to prove that conclusively. Therefore, this variant has been classified as Likely Pathogenic.

Literature cited by the submitters: PubMed 16199547; PubMed 20583297; PubMed 20839240; PubMed 23919265; PubMed 28818389.